The following is an entry in ClinVar:

ClinVar aggregate classification (germline): Uncertain significance (1 of 4 stars; one submission).

Conditions:
Glycogen storage disease, type VII (GSD7). Also called: GSD VII; MUSCLE PHOSPHOFRUCTOKINASE DEFICIENCY; PFKM DEFICIENCY; TARUI DISEASE. Identifiers: Orphanet 371, MedGen C0017926, MONDO:0009295, OMIM 232800.

Submission:

Labcorp Genetics (formerly Invitae), Labcorp
Classification: Uncertain significance for Glycogen storage disease, type VII. Last evaluated: 2022-09-27. Review status: criteria provided, single submitter. Criteria: Invitae Variant Classification Sherloc (09022015). Collection method: clinical testing. Allele origin: germline.
Comment: This variant is not present in population databases (gnomAD no frequency). In summary, the available evidence is currently insufficient to determine the role of this variant in disease. Therefore, it has been classified as a Variant of Uncertain Significance. Experimental studies and prediction algorithms are not available or were not evaluated, and the functional significance of this variant is currently unknown. This variant has not been reported in the literature in individuals affected with PFKM-related conditions. This sequence change creates a premature translational stop signal (p.Arg746Glufs*13) in the PFKM gene. While this is not anticipated to result in nonsense mediated decay, it is expected to disrupt the last 35 amino acid(s) of the PFKM protein.

NM_000289.6(PFKM):c.2234dup (p.Arg746fs)

Gene: PFKM (phosphofructokinase, muscle; plus strand). Cytogenetic location: 12q13.11.
Variant type: Duplication.
Coding change: c.2234dup on transcript NM_000289.6 (MANE Select); coding-DNA position 2234, one base duplicated (T; older notation c.2234dupT).
Protein change: p.Arg746fs; shifts the reading frame from arginine 746.
Molecular consequence: frameshift variant. On other transcripts: non-coding transcript variant (6).
Genome position (GRCh38, 1-based): chr12:48,145,599, T duplicated. VCF-style (leftmost placement, unchanged base first): chr12-48145598-C-CT. GRCh37 (hg19) VCF-style: chr12-48539381-C-CT.
Other names: c.2447dup, p.Arg817fs (NM_001166686.2, NM_001354737.1, NM_001354738.1 and 1 more transcripts); c.2234dup, p.Arg746fs (NM_001166687.2, NM_001166688.2, NM_001354742.2 and 2 more transcripts); c.2543dup, p.Arg849fs (NM_001354735.1, NM_001354736.1); c.2378dup, p.Arg794fs (NM_001354740.1); c.2258dup, p.Arg754fs (NM_001354741.2); c.2147dup, p.Arg717fs (NM_001354745.2); c.2108dup, p.Arg704fs (NM_001354746.2); c.2084dup, p.Arg696fs (NM_001354747.2, NM_001354748.2); and 1 more; short protein forms R717fs, R817fs, R696fs, R715fs, R754fs, R794fs, R849fs, R704fs.
Identifiers: ClinVar variation 2017391 (VCV002017391.4), dbSNP rs2498697823, ClinGen allele CA2580085509.